The following is an entry in ClinVar:

NM_014384.3(ACAD8):c.567+8C>T

Gene: ACAD8 (acyl-CoA dehydrogenase family member 8; plus strand). Cytogenetic location: 11q25.
Variant type: single nucleotide variant.
Coding change: c.567+8C>T on transcript NM_014384.3 (MANE Select); 8 bases into the intron after coding-DNA position 567, C replaced by T.
Molecular consequence: intron variant.
Genome position (GRCh38, 1-based): chr11:134,259,092, C>T. VCF-style: chr11-134259092-C-T. GRCh37 (hg19) VCF-style: chr11-134128986-C-T.
Other names: p.?; c.567+8C>T (NM_014384.2).
Identifiers: ClinVar variation 1605121 (VCV001605121.9), dbSNP rs574233188, ClinGen allele CA6372984.

ClinVar aggregate classification (germline): Likely benign. Review status: criteria provided, multiple submitters, no conflicts (2 of 4 stars). 2 submissions from 2 submitters: Likely benign (2). Last evaluated 2025-04-08.

Conditions:
Deficiency of isobutyryl-CoA dehydrogenase. Also called: ACYL-CoA DEHYDROGENASE FAMILY, MEMBER 8, DEFICIENCY OF; ACAD8 DEFICIENCY; IBD DEFICIENCY. Identifiers: Orphanet 79159, MedGen C1969809, MONDO:0012648, OMIM 611283.

Allele frequency attached by ClinVar (database versions not stated): gnomAD exomes 0.00004 and 0.00011; TOPMed 0.00008; gnomAD 0.00009; ExAC 0.00010; 1000 Genomes Project 30x 0.00016; 1000 Genomes Project 0.00020.
gnomAD v4.1: 77 of 1,613,448 alleles (0.0048%); highest among the groups gnomAD compares: South Asian, 0.056%; no homozygotes.

Submissions (2):

Mayo Clinic Laboratories, Mayo Clinic
Classification: Likely benign. Last evaluated: 2025-04-08. Review status: criteria provided, single submitter. Criteria: ACMG Guidelines, 2015. Collection method: clinical testing. Allele origin: germline. Observed: 1 variant allele.
Comment: BP4, BP7

Labcorp Genetics (formerly Invitae), Labcorp
Classification: Likely benign for Deficiency of isobutyryl-CoA dehydrogenase. Last evaluated: 2023-12-30. Review status: criteria provided, single submitter. Criteria: Invitae Variant Classification Sherloc (09022015). Collection method: clinical testing. Allele origin: germline.